The following is an entry in ClinVar:

ClinVar aggregate classification (germline): Uncertain significance (1 of 4 stars; one submission).

Conditions:
Primary ciliary dyskinesia. Also called: Ciliary dyskinesia. Identifiers: Orphanet 244, MedGen C0008780, MONDO:0016575, HP:0012265.

gnomAD v4.1: 9 of 1,614,118 alleles (0.00056%); highest among the groups gnomAD compares: Non-Finnish European, 0.00076%; no homozygotes.

Submission:

Labcorp Genetics (formerly Invitae), Labcorp
Classification: Uncertain significance for Primary ciliary dyskinesia. Last evaluated: 2020-01-25. Review status: criteria provided, single submitter. Criteria: Invitae Variant Classification Sherloc (09022015). Collection method: clinical testing. Allele origin: germline.
Comment: This variant has not been reported in the literature in individuals with DNAH8-related conditions. This variant is not present in population databases (ExAC no frequency). Algorithms developed to predict the effect of missense changes on protein structure and function are either unavailable or do not agree on the potential impact of this missense change (SIFT: "Deleterious"; PolyPhen-2: "Not Available"; Align-GVGD: "Class C0"). This sequence change replaces histidine with arginine at codon 3882 of the DNAH8 protein (p.His3882Arg). The histidine residue is highly conserved and there is a small physicochemical difference between histidine and arginine. In summary, the available evidence is currently insufficient to determine the role of this variant in disease. Therefore, it has been classified as a Variant of Uncertain Significance.

NM_001206927.2(DNAH8):c.11645A>G (p.His3882Arg)

Genes: DNAH8-AS1 (DNAH8 antisense RNA 1; minus strand), DNAH8 (dynein axonemal heavy chain 8; plus strand). Cytogenetic location: 6p21.2.
Variant type: single nucleotide variant.
Coding change: c.11645A>G on transcript NM_001206927.2 (MANE Select); coding-DNA position 11645, A replaced by G.
Protein change: p.His3882Arg; replaces histidine 3882 with arginine.
Molecular consequence: missense variant.
Genome position (GRCh38, 1-based): chr6:38,938,055, A>G. VCF-style: chr6-38938055-A-G. GRCh37 (hg19) VCF-style: chr6-38905831-A-G.
Other names: c.10994A>G, p.His3665Arg (NM_001371.4); short protein forms H3665R, H3882R.
Identifiers: ClinVar variation 1000063 (VCV001000063.17), dbSNP rs1459344355, ClinGen allele CA364020294.